The following is an entry in ClinVar:

ClinVar aggregate classification (germline): Conflicting classifications of pathogenicity. Review status: criteria provided, conflicting classifications (1 of 4 stars). 3 submissions from 3 submitters: Uncertain significance (2); Benign (1). Last evaluated 2026-07-18.

Conditions:
COL11A1-related disorder. Also called: COL11A1-related condition; COL11A1-related disorders.

Allele frequency attached by ClinVar (database versions not stated): ExAC 0.00001; TOPMed 0.00001; gnomAD exomes 0.00002.
gnomAD v4.1: 3 of 1,613,858 alleles (0.00019%); highest among the groups gnomAD compares: Admixed American, 0.005%; no homozygotes.

Submissions (3):

PreventionGenetics, part of Exact Sciences
Classification: Uncertain significance for COL11A1-related condition. Last evaluated: 2026-07-18. Review status: criteria provided, single submitter. Criteria: ACMG Guidelines, 2015. Collection method: clinical testing. Allele origin: germline.
Comment: The COL11A1 c.3361T>G variant is predicted to result in the amino acid substitution p.Ser1121Ala. To our knowledge, this variant has not been reported in the literature. This variant is reported in 0.012% of alleles in individuals of Latino descent in gnomAD. At this time, the clinical significance of this variant is uncertain due to the absence of conclusive functional and genetic evidence.

Labcorp Genetics (formerly Invitae), Labcorp
Classification: Benign. Last evaluated: 2024-01-17. Review status: criteria provided, single submitter. Criteria: Invitae Variant Classification Sherloc (09022015). Collection method: clinical testing. Allele origin: germline.

GeneDx
Classification: Uncertain significance. Last evaluated: 2021-12-02. Review status: criteria provided, single submitter. Criteria: GeneDx Variant Classification Process June 2021. Collection method: clinical testing. Allele origin: germline. Affected: yes.
Comment: Not observed at a significant frequency in large population cohorts (Lek et al., 2016); In silico analysis supports that this missense variant does not alter protein structure/function; Has not been previously published as pathogenic or benign to our knowledge

NM_001854.4(COL11A1):c.3361T>G (p.Ser1121Ala)

Gene: COL11A1 (collagen type XI alpha 1 chain; minus strand). Cytogenetic location: 1p21.1.
Variant type: single nucleotide variant.
Coding change: c.3361T>G on transcript NM_001854.4 (MANE Select); coding-DNA position 3361, T replaced by G.
Protein change: p.Ser1121Ala; replaces serine 1121 with alanine.
Molecular consequence: missense variant. On other transcripts: non-coding transcript variant (1).
Genome position (GRCh38, 1-based): chr1:102,940,350, A>C on the plus strand (T>G on the coding strand, the complement: COL11A1 is on the minus strand). VCF-style: chr1-102940350-A-C. GRCh37 (hg19) VCF-style: chr1-103405906-A-C.
Other names: c.3244T>G, p.Ser1082Ala (NM_001190709.2); c.3397T>G, p.Ser1133Ala (NM_080629.3); c.3013T>G, p.Ser1005Ala (NM_080630.4); short protein forms S1005A, S1082A, S1121A, S1133A.
Identifiers: ClinVar variation 1314670 (VCV001314670.11), dbSNP rs778937772, ClinGen allele CA974054.